The following is an entry in ClinVar:

ClinVar aggregate classification (germline): Pathogenic. Review status: criteria provided, multiple submitters, no conflicts (2 of 4 stars). 3 submissions from 3 submitters: Pathogenic (2). 1 of the submissions does not count toward it. Last evaluated 2024-05-29.

Conditions:
Fish-eye disease (FED). Also called: LCATA DEFICIENCY; ALPHA-LCAT DEFICIENCY; DYSLIPOPROTEINEMIC CORNEAL DYSTROPHY. Identifiers: Orphanet 650, Orphanet 79292, MedGen C0342895, MONDO:0007620, OMIM 136120.
Norum disease. Also called: Familial lecithin cholesterol acyltransferase deficiency. Identifiers: Orphanet 79293, MedGen C0023195, MONDO:0009515, OMIM 245900.

gnomAD v4.1: 10 of 1,548,214 alleles (0.00065%); highest among the groups gnomAD compares: East Asian, 0.0024%; no homozygotes.

Submissions (3):

Labcorp Genetics (formerly Invitae), Labcorp
Classification: Pathogenic. Last evaluated: 2024-05-29. Review status: criteria provided, single submitter. Criteria: Invitae Variant Classification Sherloc (09022015). Collection method: clinical testing. Allele origin: germline.
Comment: This sequence change replaces proline, which is neutral and non-polar, with leucine, which is neutral and non-polar, at codon 34 of the LCAT protein (p.Pro34Leu). This variant is not present in population databases (gnomAD no frequency). This missense change has been observed in individual(s) with fish-eye disease (PMID: 1571050, 24636183). In at least one individual the data is consistent with being in trans (on the opposite chromosome) from a pathogenic variant. It has also been observed to segregate with disease in related individuals. This variant is also known as p.Pro10Leu. ClinVar contains an entry for this variant (Variation ID: 3662). An algorithm developed to predict the effect of missense changes on protein structure and function (PolyPhen-2) suggests that this variant is likely to be disruptive. For these reasons, this variant has been classified as Pathogenic.

Fulgent Genetics
Classification: Pathogenic for Fish-eye disease; Norum disease. Last evaluated: 2024-01-05. Review status: criteria provided, single submitter. Criteria: ACMG Guidelines, 2015. Collection method: clinical testing. Allele origin: germline.

OMIM
Classification: Pathogenic for FISH-EYE DISEASE. Last evaluated: 1992-01-31. Review status: no assertion criteria provided. Collection method: literature only. Allele origin: germline. Not counted in ClinVar's aggregate classification.

Literature cited by the submitters: PubMed 1571050 (cited by Labcorp Genetics (formerly Invitae), Labcorp and OMIM); PubMed 24636183 (cited by Labcorp Genetics (formerly Invitae), Labcorp).

NM_000229.2(LCAT):c.101C>T (p.Pro34Leu)

Genes: LCAT (lecithin-cholesterol acyltransferase; minus strand), SLC12A4 (solute carrier family 12 member 4; minus strand). Cytogenetic location: 16q22.1.
Variant type: single nucleotide variant.
Coding change: c.101C>T on transcript NM_000229.2 (MANE Select); coding-DNA position 101, C replaced by T.
Protein change: p.Pro34Leu; replaces proline 34 with leucine.
Molecular consequence: missense variant. On other transcripts: 3 prime UTR variant (5).
Genome position (GRCh38, 1-based): chr16:67,944,001, G>A on the plus strand (C>T on the coding strand, the complement: LCAT is on the minus strand). VCF-style: chr16-67944001-G-A. GRCh37 (hg19) VCF-style: chr16-67977904-G-A.
Other names: P10L; c.*839C>T (NM_001145961.2, NM_001145962.1, NM_001145963.2 and 2 more transcripts); short protein forms P34L.
Identifiers: ClinVar variation 3662 (VCV000003662.6), dbSNP rs121908051, ClinGen allele CA116419.